The following is an entry in ClinVar:

ClinVar aggregate classification (germline): Uncertain significance. Review status: criteria provided, multiple submitters, no conflicts (2 of 4 stars). 11 submissions from 11 submitters: Uncertain significance (10). 1 of the submissions does not count toward it. Last evaluated 2026-01-26.

Conditions:
Cardiac arrhythmia. Also called: Cardiac rhythm disease; Arrhythmia. Identifiers: MedGen C0003811, MONDO:0007263, HP:0011675.
Cardiovascular phenotype. Identifiers: MedGen CN230736.
KCNQ1-related disorder. Also called: KCNQ1-related condition; KCNQ1-related disorders. Identifiers: MedGen CN239322.
Long QT syndrome (LQTS). Identifiers: MedGen C0023976, MeSH D008133, MONDO:0002442. Disease mechanism: loss of function. Inheritance: Various modes of inheritance.

Allele frequency attached by ClinVar (database versions not stated): ExAC 0.00003; gnomAD exomes 0.00004 and 0.00011; gnomAD 0.00006 and 0.00008; TOPMed 0.00007; ESP Exome Variant Server 0.00023.

Submissions (11):

Labcorp Genetics (formerly Invitae), Labcorp
Classification: Uncertain significance for Long QT syndrome. Last evaluated: 2026-01-26. Review status: criteria provided, single submitter. Criteria: Invitae Variant Classification Sherloc (09022015). Collection method: clinical testing. Allele origin: germline.
Comment: This sequence change replaces arginine, which is basic and polar, with glutamine, which is neutral and polar, at codon 195 of the KCNQ1 protein (p.Arg195Gln). This variant is present in population databases (rs138362632, gnomAD 0.006%). This missense change has been observed in individual(s) with KCNQ1-related conditions (PMID: 36007526). ClinVar contains an entry for this variant (Variation ID: 67088). Invitae Evidence Modeling of protein sequence and biophysical properties (such as structural, functional, and spatial information, amino acid conservation, physicochemical variation, residue mobility, and thermodynamic stability) has been performed for this missense variant. However, the output from this modeling did not meet the statistical confidence thresholds required to predict the impact of this variant on KCNQ1 protein function. Experimental studies have shown that this missense change affects KCNQ1 function (PMID: 23861489, 30571187). In summary, the available evidence is currently insufficient to determine the role of this variant in disease. Therefore, it has been classified as a Variant of Uncertain Significance.

GeneDx
Classification: Uncertain significance. Last evaluated: 2025-06-06. Review status: criteria provided, single submitter. Criteria: GeneDx Variant Classification Process June 2021. Collection method: clinical testing. Allele origin: germline. Affected: yes.
Comment: In silico analysis supports that this missense variant has a deleterious effect on protein structure/function; This variant is associated with the following publications: (PMID: 22949429, 25564853, 25559286, 25649125, 19841300, 23861362, 30571187, 32797034, 31229680, 35442947, 36007526, 29197658, 23861489, 31696929)

All of Us Research Program, National Institutes of Health
Classification: Uncertain significance for Long QT syndrome. Last evaluated: 2024-06-17. Review status: criteria provided, single submitter. Criteria: ACMG Guidelines, 2015. Collection method: clinical testing. Allele origin: germline. Inheritance: Autosomal dominant inheritance. Observed: 24 variant alleles, 24 heterozygotes.
Comment: This missense variant replaces arginine with glutamine at codon 195 of the KCNQ1 protein. Computational prediction suggests that this variant may have deleterious impact on protein structure and function (internally defined REVEL score threshold >= 0.7, PMID: 27666373). Experimental studies have shown that this variant reduces the whole-cell current amplitude of the channel (PMID: 23861489) and suppressed the current-enhancing effect of a KCNQ1 activator (PMID: 25564853). This variant has been reported in an individual suspected of having epilepsy (PMID: 31696929) and in two control subjects (PMID: 19841300, 22949429). This variant has also been identified in 11/280490 chromosomes in the general population by the Genome Aggregation Database (gnomAD). The available evidence is insufficient to determine the role of this variant in disease conclusively. Therefore, this variant is classified as a Variant of Uncertain Significance.

This study involves interpretation of variants in research participants for the purpose of population health screening. Participant phenotype was not available at the time of variant classification. Additional details can be found in publication PMID: 35346344, PMCID: PMC8962531

Color Diagnostics, LLC DBA Color Health
Classification: Uncertain significance for Cardiac arrhythmia. Last evaluated: 2024-04-09. Review status: criteria provided, single submitter. Criteria: ACMG Guidelines, 2015. Collection method: clinical testing. Allele origin: germline.
Comment: This missense variant replaces arginine with glutamine at codon 195 of the KCNQ1 protein. Computational prediction suggests that this variant may have deleterious impact on protein structure and function (internally defined REVEL score threshold >= 0.7, PMID: 27666373). Experimental studies have shown that this variant reduces the whole-cell current amplitude of the channel (PMID: 23861489) and suppressed the current-enhancing effect of a KCNQ1 activator (PMID: 25564853). This variant has been reported in an individual suspected of having epilepsy (PMID: 31696929) and in two control subjects (PMID: 19841300, 22949429). This variant has also been identified in 11/280490 chromosomes in the general population by the Genome Aggregation Database (gnomAD). The available evidence is insufficient to determine the role of this variant in disease conclusively. Therefore, this variant is classified as a Variant of Uncertain Significance.

PreventionGenetics, part of Exact Sciences
Classification: Uncertain significance for KCNQ1-related condition. Last evaluated: 2023-05-01. Review status: criteria provided, single submitter. Criteria: ACMG Guidelines, 2015. Collection method: clinical testing. Allele origin: germline.
Comment: The KCNQ1 c.584G>A variant is predicted to result in the amino acid substitution p.Arg195Gln. This variant has been previously observed in a cohort of individuals with cardiomyopathy (reported as “benign polymorphism/score 2” in Supplementary table 3, Ng et al. 2013. PubMed ID: 23861362), and a healthy control from a cohort of individuals participating in a case-control study of long QT syndrome (Table S1, Kapa et al. 2009. PubMed ID: 19841300). In vitro functional studies and/or in silico predicting models report conflicting interpretations regarding this variant’s pathogenicity (Kernik et al. 2020. PubMed ID: 32797034; Vanoye et al. 2018. PubMed ID: 30571187; Zaydman et al. 2013. PubMed ID: 23861489). This variant is reported in 0.0070% of alleles in individuals of European (Non-Finnish) descent in gnomAD. Based on gnomAD frequency data, a recent study considered this variant as statistically too common to be a LQT1-causative variant and recommended downgrading it (Clemens et al. 2018. PubMed ID: 29197658). At this time, the clinical significance of this variant is uncertain due to the absence of conclusive functional and genetic evidence.

AiLife Diagnostics
Classification: Uncertain significance. Last evaluated: 2022-01-12. Review status: criteria provided, single submitter. Criteria: ACMG Guidelines, 2015. Collection method: clinical testing. Allele origin: germline. Affected: yes. Observed: 1 variant allele.

Blueprint Genetics
Classification: Uncertain significance. Last evaluated: 2021-03-25. Review status: criteria provided, single submitter. Criteria: ACMG Guidelines, 2015. Collection method: clinical testing. Allele origin: germline.

Ambry Genetics
Classification: Uncertain significance for Cardiovascular phenotype. Last evaluated: 2019-11-25. Review status: criteria provided, single submitter. Criteria: Ambry Variant Classification Scheme 2023. Collection method: clinical testing. Allele origin: germline.

Women's Health and Genetics/Laboratory Corporation of America, LabCorp
Classification: Uncertain significance. Last evaluated: 2019-02-05. Review status: criteria provided, single submitter. Criteria: LabCorp Variant Classification Summary - May 2015. Collection method: clinical testing. Allele origin: germline.
Comment: Variant summary: The variant, KCNQ1 c.584G>A (p.Arg195Gln) results in a conservative amino acid change located in the Ion transport domain of the encoded protein sequence. Four of five in-silico tools predict a damaging effect of the variant on protein function. The variant allele was found at a frequency of 4e-05 in 277966 control chromosomes (gnomAD and Kapa_2009). This frequency is not higher than expected for a pathogenic variant in KCNQ1 causing Arrhythmia (4e-05 vs 0.0001), allowing no conclusion about variant significance. To our knowledge, no occurrence of c.584G>A in individuals affected with Arrhythmia has been reported. At least one publication reported experimental evidence evaluating an impact on protein function and demonstrated decreased whole-cell current amplitudes in Xenopus oocytes, however these results do not allow convincing conclusions about the variant effect (Zaydman_2013). Three clinical diagnostic laboratories have submitted clinical-significance assessments for this variant to ClinVar after 2014 without evidence for independent evaluation (2X uncertain significance, and 1X Likely Pathogenic). Based on the evidence outlined above, the variant was classified as uncertain significance.

Biesecker Lab/Clinical Genomics Section, National Institutes of Health
Classification: Uncertain significance. Last evaluated: 2013-06-24. Review status: criteria provided, single submitter. Criteria: Ng et al. (Circ Cardiovasc Genet. 2013). Collection method: research. Allele origin: unknown. Observed: 1 variant allele. Study: ClinSeq.
Comment: The study set was not selected for affection status in relation to any cancer. Pathogenicity categories were based on literature curation. See Pubmed ID:23861362 for details.

Medical sequencing

Cardiovascular Biomedical Research Unit, Royal Brompton & Harefield NHS Foundation Trust
No classification provided. Review status: no classification provided. Collection method: literature only. Allele origin: germline. Not counted in ClinVar's aggregate classification.
Comment: This variant has been reported in the following publications (PMID:19841300).

Literature cited by the submitters: PubMed 36007526 (cited by Labcorp Genetics (formerly Invitae), Labcorp); PubMed 23861489 (cited by 5 submitters); PubMed 30571187 (cited by Labcorp Genetics (formerly Invitae), Labcorp); PubMed 19841300 (cited by 4 submitters); PubMed 22949429 (cited by All of Us Research Program, National Institutes of Health and Color Diagnostics, LLC DBA Color Health); PubMed 25564853 (cited by All of Us Research Program, National Institutes of Health and Color Diagnostics, LLC DBA Color Health); PubMed 31696929 (cited by All of Us Research Program, National Institutes of Health and Color Diagnostics, LLC DBA Color Health); PubMed 29197658 (cited by Women's Health and Genetics/Laboratory Corporation of America, LabCorp); PubMed 22581653 (cited by Cardiovascular Biomedical Research Unit, Royal Brompton & Harefield NHS Foundation Trust).

NM_000218.3(KCNQ1):c.584G>A (p.Arg195Gln)

Gene: KCNQ1 (potassium voltage-gated channel subfamily Q member 1; plus strand). Cytogenetic location: 11p15.5.
Variant type: single nucleotide variant.
Coding change: c.584G>A on transcript NM_000218.3 (MANE Select); coding-DNA position 584, G replaced by A.
Protein change: p.Arg195Gln; replaces arginine 195 with glutamine.
Molecular consequence: missense variant.
Genome position (GRCh38, 1-based): chr11:2,570,734, G>A. VCF-style: chr11-2570734-G-A. GRCh37 (hg19) VCF-style: chr11-2591964-G-A.
Other names: p.R195Q:CGG>CAG; c.584G>A (LRG_287t1); c.584G>A, p.Arg195Gln (NM_001406836.1); c.314G>A, p.Arg105Gln (NM_001406837.1); c.203G>A, p.Arg68Gln (NM_181798.2); short protein forms R195Q, R68Q, R105Q.
Identifiers: ClinVar variation 67088 (VCV000067088.33), dbSNP rs138362632, ClinGen allele CA007641.